The following is an entry in ClinVar:

NM_033380.3(COL4A5):c.803del (p.Pro268fs)

Gene: COL4A5 (collagen type IV alpha 5 chain; plus strand). Cytogenetic location: Xq22.3.
Variant type: Deletion.
Coding change: c.803del on transcript NM_033380.3 (MANE Select); coding-DNA position 803, one base deleted (C; older notation c.803delC).
Protein change: p.Pro268fs; shifts the reading frame from proline 268.
Molecular consequence: frameshift variant.
Genome position (GRCh38, 1-based): chrX:108,580,555, C deleted; the last of 2 consecutive C bases (chrX:108,580,554-108,580,555); deleting either gives the same sequence. VCF-style (leftmost placement, unchanged base first): chrX-108580553-GC-G. GRCh37 (hg19) VCF-style: chrX-107823783-GC-G.
Other names: p.(Pro268Leufs*78); c.803del, p.Pro268fs (NM_000495.5); short protein forms P268fs.
Identifiers: ClinVar variation 5041980 (VCV005041980.1).

ClinVar aggregate classification (germline): Pathogenic (1 of 4 stars; one submission).

Conditions:
X-linked Alport syndrome (ATS1). Also called: NEPHROPATHY AND DEAFNESS, X-LINKED; COL4A5-Related Nephropathy. Identifiers: Orphanet 63, Orphanet 88917, MedGen C4746986, MONDO:0010520, OMIM 301050.

Submission:

Centre de Génétique Humaine, Institut de Pathologie Et de Génétique
Classification: Pathogenic for X-linked Alport syndrome. Last evaluated: 2026-06-11. Review status: criteria provided, single submitter. Criteria: ACMG Guidelines, 2015. Collection method: clinical testing. Allele origin: maternal, germline. Inheritance: X-linked dominant inheritance. Affected: yes. Observed: 2 variant alleles, 1 heterozygote, 1 hemizygote. Segregation with disease observed.
Comment: This 1bp deletion is a frameshift variant predicted to result in protein truncation or nonsense mediated decay in a gene for which loss-of-function is a known mechanism of disease (PVS1). This variant is rare: absent in gnomAD v4.1.0 database (PM2). Cosegragation in a family analysed in our lab (PP1)